The following is an entry in ClinVar:

NM_005337.5(NCKAP1L):c.430C>A (p.Leu144Ile)

Gene: NCKAP1L (NCK associated protein 1 like; plus strand). Cytogenetic location: 12q13.2.
Variant type: single nucleotide variant.
Coding change: c.430C>A on transcript NM_005337.5 (MANE Select); coding-DNA position 430, C replaced by A.
Protein change: p.Leu144Ile; replaces leucine 144 with isoleucine.
Molecular consequence: missense variant.
Genome position (GRCh38, 1-based): chr12:54,508,455, C>A. VCF-style: chr12-54508455-C-A. GRCh37 (hg19) VCF-style: chr12-54902239-C-A.
Other names: c.280C>A, p.Leu94Ile (NM_001184976.2); short protein forms L94I, L144I.
Identifiers: ClinVar variation 2008083 (VCV002008083.3), dbSNP rs2498579374, ClinGen allele CA385128378.

ClinVar aggregate classification (germline): Uncertain significance. Review status: criteria provided, multiple submitters, no conflicts (2 of 4 stars). 2 submissions from 2 submitters: Uncertain significance (2). Last evaluated 2022-12-14.

Allele frequency attached by ClinVar (database versions not stated): gnomAD exomes below 0.00001.
gnomAD v4.1: 3 of 1,614,118 alleles (0.00019%); highest among the groups gnomAD compares: Non-Finnish European, 0.00025%; no homozygotes.

Submissions (2):

Ambry Genetics
Classification: Uncertain significance. Last evaluated: 2022-12-14. Review status: criteria provided, single submitter. Criteria: Ambry Variant Classification Scheme 2023. Collection method: clinical testing. Allele origin: germline.

Labcorp Genetics (formerly Invitae), Labcorp
Classification: Uncertain significance. Last evaluated: 2022-06-26. Review status: criteria provided, single submitter. Criteria: Invitae Variant Classification Sherloc (09022015). Collection method: clinical testing. Allele origin: germline.
Comment: In summary, the available evidence is currently insufficient to determine the role of this variant in disease. Therefore, it has been classified as a Variant of Uncertain Significance. Algorithms developed to predict the effect of missense changes on protein structure and function are either unavailable or do not agree on the potential impact of this missense change (SIFT: "Tolerated"; PolyPhen-2: "Possibly Damaging"; Align-GVGD: "Class C0"). This variant has not been reported in the literature in individuals affected with NCKAP1L-related conditions. This variant is not present in population databases (gnomAD no frequency). This sequence change replaces leucine, which is neutral and non-polar, with isoleucine, which is neutral and non-polar, at codon 144 of the NCKAP1L protein (p.Leu144Ile).